The following is an entry in ClinVar:

ClinVar aggregate classification (germline): Uncertain significance. Review status: criteria provided, multiple submitters, no conflicts (2 of 4 stars). 4 submissions from 4 submitters: Uncertain significance (4). Last evaluated 2025-07-27.

Conditions:
Hereditary cancer-predisposing syndrome. Also called: Neoplastic Syndromes, Hereditary; Tumor predisposition; Hereditary Cancer Syndrome; Hereditary neoplastic syndrome. Identifiers: Orphanet 140162, MedGen C0027672, MeSH D009386, MONDO:0015356.
Familial adenomatous polyposis 1 (FAP1). Also called: FAMILIAL ADENOMATOUS POLYPOSIS 1, ATTENUATED; POLYPOSIS, ADENOMATOUS INTESTINAL. Identifiers: MedGen C2713442, MONDO:0021056, OMIM 175100. Disease mechanism: loss of function.

gnomAD v4.1: 1 of 1,613,838 alleles (0.000062%); highest among the groups gnomAD compares: Middle Eastern, 0.016%; no homozygotes.

Submissions (4):

Labcorp Genetics (formerly Invitae), Labcorp
Classification: Uncertain significance for Familial adenomatous polyposis 1. Last evaluated: 2025-07-27. Review status: criteria provided, single submitter. Criteria: Invitae Variant Classification Sherloc (09022015). Collection method: clinical testing. Allele origin: germline.
Comment: This sequence change replaces serine, which is neutral and polar, with glycine, which is neutral and non-polar, at codon 2000 of the APC protein (p.Ser2000Gly). This variant is not present in population databases (gnomAD no frequency). This missense change has been observed in individual(s) with breast cancer (PMID: 32658311). ClinVar contains an entry for this variant (Variation ID: 142160). Invitae Evidence Modeling of protein sequence and biophysical properties (such as structural, functional, and spatial information, amino acid conservation, physicochemical variation, residue mobility, and thermodynamic stability) indicates that this missense variant is not expected to disrupt APC protein function with a negative predictive value of 95%. RNA analysis performed to evaluate the impact of this missense change on mRNA splicing indicates it does not significantly alter splicing (internal data). In summary, the available evidence is currently insufficient to determine the role of this variant in disease. Therefore, it has been classified as a Variant of Uncertain Significance.

Ambry Genetics
Classification: Uncertain significance for Hereditary cancer-predisposing syndrome. Last evaluated: 2024-10-31. Review status: criteria provided, single submitter. Criteria: Ambry Variant Classification Scheme 2023. Collection method: clinical testing. Allele origin: germline.
Comment: The p.S2000G variant (also known as c.5998A>G), located in coding exon 15 of the APC gene, results from an A to G substitution at nucleotide position 5998. The serine at codon 2000 is replaced by glycine, an amino acid with similar properties. Missense alterations in APC are not a common cause of disease (Spier I et al. Genet Med. 2024 Feb;26(2):100992). This variant was previously reported in an individual with advanced cancer, but specific clinical information was not provided (Mandelker D et al. JAMA, 2017 09;318:825-835). This variant was detected in a cohort of 76 Malaysian colorectal cancer patients (Abdul Murad NA et al. Dig Dis Sci, 2012 Nov;57:2863-72). This variant was also seen in 1/732 breast cancer patients, 0/189 colorectal cancer patients and 0/490 cancer-free elderly controls in a Turkish population (Akcay IM et al. Int J Cancer, 2021 01;148:285-295). This amino acid position is not well conserved in available vertebrate species. In addition, in silico predictors for this gene do not accurately predict pathogenicity. Based on the available evidence, the clinical significance of this variant remains unclear.

Color Diagnostics, LLC DBA Color Health
Classification: Uncertain significance for Hereditary cancer-predisposing syndrome. Last evaluated: 2023-10-30. Review status: criteria provided, single submitter. Criteria: ACMG Guidelines, 2015. Collection method: clinical testing. Allele origin: germline.
Comment: This missense variant replaces serine with glycine at codon 2000 of the APC protein. Computational prediction suggests that this variant may not impact protein structure and function (internally defined REVEL score threshold <= 0.5, PMID: 27666373). To our knowledge, functional studies have not been reported for this variant. This variant has been reported in individuals affected with breast cancer (PMID: 32658311), colorectal cancer (PMID: 22669205), and unspecified advanced cancer (PMID: 28873162). This variant has not been identified in the general population by the Genome Aggregation Database (gnomAD). The available evidence is insufficient to determine the role of this variant in disease conclusively. Therefore, this variant is classified as a Variant of Uncertain Significance.

Women's Health and Genetics/Laboratory Corporation of America, LabCorp
Classification: Uncertain significance. Last evaluated: 2018-03-16. Review status: criteria provided, single submitter. Criteria: LabCorp Variant Classification Summary - May 2015. Collection method: clinical testing. Allele origin: germline.
Comment: Variant summary: APC c.5998A>G (p.Ser2000Gly) results in a non-conservative amino acid change in the encoded protein sequence. Four of five in-silico tools predict a benign effect of the variant on protein function. The variant was absent in 245622 control chromosomes (gnomAD). The available data on variant occurrences in the general population are insufficient to allow any conclusion about variant significance. c.5998A>G has been reported in the literature in one individual affected with CRC (Murad 2012). This report does not provide unequivocal conclusions about association of the variant with Familial Adenomatous Polyposis. To our knowledge, no experimental evidence demonstrating an impact on protein function has been reported. No clinical diagnostic laboratories have submitted clinical-significance assessments for this variant to ClinVar after 2014. Based on the evidence outlined above, the variant was classified as uncertain significance.

Literature cited by the submitters: PubMed 32658311 (cited by 3 submitters); PubMed 22669205 (cited by 3 submitters); PubMed 28873162 (cited by Ambry Genetics and Color Diagnostics, LLC DBA Color Health).

NM_000038.6(APC):c.5998A>G (p.Ser2000Gly)

Gene: APC (APC regulator of Wnt signaling pathway; plus strand). Cytogenetic location: 5q22.2.
Variant type: single nucleotide variant.
Coding change: c.5998A>G on transcript NM_000038.6 (MANE Select); coding-DNA position 5998, A replaced by G.
Protein change: p.Ser2000Gly; replaces serine 2000 with glycine.
Molecular consequence: missense variant.
Genome position (GRCh38, 1-based): chr5:112,841,592, A>G. VCF-style: chr5-112841592-A-G. GRCh37 (hg19) VCF-style: chr5-112177289-A-G.
Other names: c.5998A>G, p.Ser2000Gly (NM_001127510.3, NM_001354895.2); c.5944A>G, p.Ser1982Gly (NM_001127511.3); c.6052A>G, p.Ser2018Gly (NM_001354896.2); c.6028A>G, p.Ser2010Gly (NM_001354897.2); c.5923A>G, p.Ser1975Gly (NM_001354898.2); c.5914A>G, p.Ser1972Gly (NM_001354899.2); c.5875A>G, p.Ser1959Gly (NM_001354900.2); c.5821A>G, p.Ser1941Gly (NM_001354901.2); and 5 more; short protein forms S1982G, S2000G, S1840G, S1874G, S1909G, S1941G, S1959G, S1717G.
Identifiers: ClinVar variation 142160 (VCV000142160.19), dbSNP rs587782271, ClinGen allele CA010857.